The following is an entry in ClinVar:

ClinVar aggregate classification (germline): Benign. Review status: criteria provided, multiple submitters, no conflicts (2 of 4 stars). 10 submissions from 10 submitters: Benign (7). 3 of the submissions do not count toward it. Last evaluated 2026-02-02.

Conditions:
Dilated cardiomyopathy 1JJ (CMD1JJ). Identifiers: Orphanet 154, MedGen C3808935, MONDO:0014095, OMIM 615235.
Cardiomyopathy (CMYO). Also called: Cardiomyopathies. Identifiers: Orphanet 167848, MedGen C0878544, MONDO:0004994, HP:0001638. Inheritance: Various modes of inheritance.

Allele frequency attached by ClinVar (database versions not stated): ExAC 0.00377; gnomAD 0.01154 and 0.01070; TOPMed 0.01235; ESP Exome Variant Server 0.01292; gnomAD exomes 0.00326; 1000 Genomes Project 0.01258; 1000 Genomes Project 30x 0.01312.
gnomAD v4.1: 3,692 of 1,612,690 alleles (0.23%); highest among the groups gnomAD compares: African/African-American, 3.5%; 56 homozygotes.

Submissions (10):

Labcorp Genetics (formerly Invitae), Labcorp
Classification: Benign for Dilated cardiomyopathy 1JJ. Last evaluated: 2026-02-02. Review status: criteria provided, single submitter. Criteria: Invitae Variant Classification Sherloc (09022015). Collection method: clinical testing. Allele origin: germline.

ARUP Laboratories, Molecular Genetics and Genomics, ARUP Laboratories
Classification: Benign for Dilated cardiomyopathy 1JJ. Last evaluated: 2023-11-29. Review status: criteria provided, single submitter. Criteria: ARUP Molecular Germline Variant Investigation Process 2024. Collection method: clinical testing. Allele origin: germline.

Women's Health and Genetics/Laboratory Corporation of America, LabCorp
Classification: Benign. Last evaluated: 2023-08-19. Review status: criteria provided, single submitter. Criteria: LabCorp Variant Classification Summary - May 2015. Collection method: clinical testing. Allele origin: germline.

CHEO Genetics Diagnostic Laboratory, Children's Hospital of Eastern Ontario
Classification: Benign for Cardiomyopathy. Last evaluated: 2015-12-10. Review status: criteria provided, single submitter. Criteria: ACMG Guidelines, 2015. Collection method: clinical testing. Allele origin: germline. Study: Canadian Open Genetics Repository.

Genome Diagnostics Laboratory, University Medical Center Utrecht
Classification: Benign for Dilated cardiomyopathy 1JJ. Last evaluated: 2014-10-10. Review status: criteria provided, single submitter. Criteria: ACGS Guidelines, 2013. Collection method: clinical testing. Allele origin: germline. Affected: yes. Study: VKGL Data-share Consensus.

GeneDx
Classification: Benign. Last evaluated: 2014-03-25. Review status: criteria provided, single submitter. Criteria: GeneDx Variant Classification (06012015). Collection method: clinical testing. Allele origin: germline. Affected: yes.
Comment: This variant is considered likely benign or benign based on one or more of the following criteria: it is a conservative change, it occurs at a poorly conserved position in the protein, it is predicted to be benign by multiple in silico algorithms, and/or has population frequency not consistent with disease.

Laboratory for Molecular Medicine, Mass General Brigham Personalized Medicine
Classification: Benign. Last evaluated: 2012-04-24. Review status: criteria provided, single submitter. Criteria: LMM Criteria. Collection method: clinical testing. Allele origin: germline. Observed: 30 variant alleles.
Comment: Phe1348Phe in Exon 30 of LAMA4: This variant is not expected to have clinical si gnificance because it does not alter an amino acid residue and is not located wi thin the splice consensus sequence. It has been identified in 3.7% (139/3736) of African American chromosomes from a broad population by the NHLBI Exome Sequenc ing Project (rs34753919).

Clinical Genetics, Academic Medical Center
Classification: Benign. Review status: no assertion criteria provided. Collection method: clinical testing. Allele origin: germline. Affected: yes. Study: VKGL Data-share Consensus. Not counted in ClinVar's aggregate classification.

Diagnostic Laboratory, Department of Genetics, University Medical Center Groningen
Classification: Likely benign for Dilated cardiomyopathy 1JJ. Review status: no assertion criteria provided. Collection method: clinical testing. Allele origin: germline. Affected: yes. Study: VKGL Data-share Consensus. Not counted in ClinVar's aggregate classification.

Joint Genome Diagnostic Labs from Nijmegen and Maastricht, Radboudumc and MUMC+
Classification: Benign. Review status: no assertion criteria provided. Collection method: clinical testing. Allele origin: germline. Affected: yes. Study: VKGL Data-share Consensus. Not counted in ClinVar's aggregate classification.

NM_001105206.3(LAMA4):c.4065C>T (p.Phe1355=)

Gene: LAMA4 (laminin subunit alpha 4; minus strand). Cytogenetic location: 6q21.
Variant type: single nucleotide variant.
Coding change: c.4065C>T on transcript NM_001105206.3 (MANE Select); coding-DNA position 4065, C replaced by T.
Protein change: p.Phe1355=; no amino-acid change (phenylalanine 1355 retained).
Molecular consequence: synonymous variant.
Genome position (GRCh38, 1-based): chr6:112,129,944, G>A on the plus strand (C>T on the coding strand, the complement: LAMA4 is on the minus strand). VCF-style: chr6-112129944-G-A. GRCh37 (hg19) VCF-style: chr6-112451146-G-A.
Other names: p.F1348F:TTC>TTT; c.4044C>T, p.Phe1348= (NM_001105207.3, NM_002290.5).
Identifiers: ClinVar variation 44381 (VCV000044381.31), dbSNP rs34753919, ClinGen allele CA282379.
Genomic context (GRCh38, chr6:112,129,944, plus strand): 5'-GTAGGCATTACTTATGCAGCCAGTGAAATTAGCATACTGAGCACTGATTGGTGAGCCACC[G>A]AAGTAAAACTTCTTTTCACTTGCTTGTGTCTGTTCTATTTTCCCTTTGGTAGGATTCTTA-3'
Protein context (NP_001098676.2, residues 1345-1365): QTQASEKKFY[Phe1355=]GGSPISAQYA